The following is an entry in ClinVar:

ClinVar aggregate classification (germline): Likely pathogenic. Review status: criteria provided, multiple submitters, no conflicts (2 of 4 stars). 4 submissions from 3 submitters: Likely pathogenic (4). Last evaluated 2025-07-15.

Conditions:
Dilated cardiomyopathy 1G (CMD1G). Identifiers: Orphanet 154, MedGen C1858763, MONDO:0011400, OMIM 604145.
Autosomal recessive limb-girdle muscular dystrophy type 2J (LGMDR10). Also called: Limb-girdle muscular dystrophy, type 2J; MUSCULAR DYSTROPHY, LIMB-GIRDLE, AUTOSOMAL RECESSIVE 10. Identifiers: Orphanet 140922, MedGen C1837342, MONDO:0012127, OMIM 608807.
Cardiovascular phenotype. Identifiers: MedGen CN230736.

Submissions (4):

Ambry Genetics
Classification: Likely pathogenic for Cardiovascular phenotype. Last evaluated: 2025-07-15. Review status: criteria provided, single submitter. Criteria: Ambry Variant Classification Scheme 2023. Collection method: clinical testing. Allele origin: germline.
Comment: The c.68577_68578delCA variant, located in coding exon 172 of the TTN gene, results from a deletion of two nucleotides at nucleotide positions 68577 to 68578, causing a translational frameshift with a predicted alternate stop codon (p.H22859Qfs*3). This exon is located in the A-band region of the N2-B isoform of the titin protein and is constitutively expressed in TTN transcripts (percent spliced in or PSI 100%). This variant is considered to be rare based on population cohorts in the Genome Aggregation Database (gnomAD). This variant is expected to result in loss of function by premature protein truncation or nonsense-mediated mRNA decay. While truncating variants in TTN are present in 1-3% of the general population, truncating variants in the A-band are the most common cause of dilated cardiomyopathy (Herman DS et al. N. Engl. J. Med., 2012 Feb;366:619-28; Roberts AM et al. Sci Transl Med, 2015 Jan;7:270ra6). TTN truncating variants encoded in constitutive exons (PSI >90%) have been found to be significantly associated with DCM regardless of their position in titin (Schafer S et al. Nat. Genet., 2017 01;49:46-53; Akhtar MM et al. Circ Heart Fail, 2020 Oct;13:e006832; Massier M et al. Clin Genet, 2025 Jan). Based on the majority of available evidence to date, this variant is likely to be pathogenic.

Labcorp Genetics (formerly Invitae), Labcorp
Classification: Likely pathogenic for Dilated cardiomyopathy 1G; Autosomal recessive limb-girdle muscular dystrophy type 2J. Last evaluated: 2025-03-24. Review status: criteria provided, single submitter. Criteria: Invitae Variant Classification Sherloc (09022015). Collection method: clinical testing. Allele origin: germline.
Comment: This sequence change creates a premature translational stop signal (p.His31924Glnfs*3) in the TTN gene. While this is not anticipated to result in nonsense mediated decay, it is expected to create a truncated TTN protein. This variant is present in population databases (no rsID available, gnomAD 0.003%). This variant has not been reported in the literature in individuals affected with TTN-related conditions. ClinVar contains an entry for this variant (Variation ID: 405054). This variant is located in the A band of TTN (PMID: 25589632). Truncating variants in this region are significantly overrepresented in patients affected with dilated cardiomyopathy (PMID: 25589632). Truncating variants in this region have also been reported in individuals affected with autosomal recessive centronuclear myopathy (PMID: 23975875). In summary, the currently available evidence indicates that the variant is pathogenic, but additional data are needed to prove that conclusively. Therefore, this variant has been classified as Likely Pathogenic.

Revvity Omics, Revvity
Classification: Likely pathogenic. Last evaluated: 2024-12-17. Review status: criteria provided, single submitter. Criteria: ACMG Guidelines, 2015. Collection method: clinical testing. Allele origin: germline.

Labcorp Genetics (formerly Invitae), Labcorp
Classification: Likely pathogenic for Dilated cardiomyopathy 1G. Last evaluated: 2016-12-21. Review status: criteria provided, single submitter. Criteria: Invitae Variant Classification Sherloc (09022015). Collection method: clinical testing. Allele origin: germline.
Comment: This sequence change deletes 2 nucleotides from exon 345 of the TTN mRNA (c.95772_95773delCA), causing a frameshift at codon 31924. This creates a premature translational stop signal (p.His31924Glnfs*3) and is expected to result in an absent or disrupted protein product. This variant is found in the A-band of this gene. While this particular variant has not been reported in the literature, truncating variants in the A-band of TTN are significantly overrepresented in patients with dilated cardiomyopathy and are considered to be likely pathogenic for the disease (PMID: 25589632). For these reasons, this variant has been classified as Likely Pathogenic.

Literature cited by the submitters: PubMed 25589632 (cited by Labcorp Genetics (formerly Invitae), Labcorp); PubMed 23975875 (cited by Labcorp Genetics (formerly Invitae), Labcorp).

NM_001267550.2(TTN):c.95772_95773del (p.His31924fs)

Genes: TTN (titin; minus strand), TTN-AS1 (TTN antisense RNA 1; plus strand). Cytogenetic location: 2q31.2.
Variant type: Microsatellite.
Coding change: c.95772_95773del on transcript NM_001267550.2 (MANE Select); coding-DNA positions 95772 to 95773, 2 bases deleted (CA; older notation c.95772_95773delCA).
Protein change: p.His31924fs; shifts the reading frame from histidine 31924.
Molecular consequence: frameshift variant.
Genome position (GRCh38, 1-based): chr2:178,544,456-178,544,457, TG deleted on the plus strand (CA on the coding strand, the reverse complement: TTN is on the minus strand); deleting any 2 consecutive bases within chr2:178,544,456-178,544,460 gives the same sequence; the c. name uses the placement nearest the transcript's 3' end. VCF-style (leftmost placement, unchanged base first): chr2-178544455-CTG-C. GRCh37 (hg19) VCF-style: chr2-179409182-CTG-C.
Other names: c.90849_90850del, p.His30283fs (NM_001256850.1); c.68577_68578del, p.His22859fs (NM_003319.4); c.88068_88069del, p.His29356fs (NM_133378.4); c.68952_68953del, p.His22984fs (NM_133432.3); c.69153_69154del, p.His23051fs (NM_133437.4); c.68577_68578delCA (NM_003319.4); c.95772_95773delCA (NM_001267550.2); short protein forms H31924fs, H22984fs, H23051fs, H30283fs, H22859fs, H29356fs.
Identifiers: ClinVar variation 405054 (VCV000405054.10), dbSNP rs1060500544, ClinGen allele CA16610307.